The following is an entry in ClinVar:

ClinVar aggregate classification (germline): Uncertain significance (1 of 4 stars; one submission).

Allele frequency attached by ClinVar (database versions not stated): gnomAD exomes 0.00013.

Submission:

Labcorp Genetics (formerly Invitae), Labcorp
Classification: Uncertain significance. Last evaluated: 2024-11-11. Review status: criteria provided, single submitter. Criteria: Invitae Variant Classification Sherloc (09022015). Collection method: clinical testing. Allele origin: germline.
Comment: This sequence change replaces arginine with glycine at codon 23 of the CFD protein (p.Arg23Gly). The arginine residue is highly conserved and there is a moderate physicochemical difference between arginine and glycine. This variant is present in population databases (rs753424422, gnomAD 0.07%). This variant has not been reported in the literature in individuals affected with CFD-related conditions. ClinVar contains an entry for this variant (Variation ID: 1374995). An algorithm developed to predict the effect of missense changes on protein structure and function (PolyPhen-2) suggests that this variant is likely to be disruptive. In summary, the available evidence is currently insufficient to determine the role of this variant in disease. Therefore, it has been classified as a Variant of Uncertain Significance.

NM_001928.4(CFD):c.67C>G (p.Arg23Gly)

Gene: CFD (complement factor D; plus strand). Cytogenetic location: 19p13.3.
Variant type: single nucleotide variant.
Coding change: c.67C>G on transcript NM_001928.4 (MANE Select); coding-DNA position 67, C replaced by G.
Protein change: p.Arg23Gly; replaces arginine 23 with glycine.
Molecular consequence: missense variant.
Genome position (GRCh38, 1-based): chr19:860,628, C>G. VCF-style: chr19-860628-C-G. GRCh37 (hg19) VCF-style: chr19-860628-C-G.
Other names: c.88C>G, p.Arg30Gly (NM_001317335.2); short protein forms R30G, R23G.
Identifiers: ClinVar variation 1374995 (VCV001374995.4), dbSNP rs753424422, ClinGen allele CA9026219.